The following is an entry in ClinVar:

ClinVar aggregate classification (germline): Pathogenic/Likely pathogenic. Review status: criteria provided, multiple submitters, no conflicts (2 of 4 stars). 2 submissions from 2 submitters: Pathogenic (1); Likely pathogenic (1). Last evaluated 2025-08-11.

Conditions:
Xanthinuria type II. Also called: Xanthine dehydrogenase and aldehyde oxidase combined deficiency of; XDH and AOX dual deficiency. Identifiers: Orphanet 3467, Orphanet 93602, MedGen C1863688, MONDO:0011346, OMIM 603592.

gnomAD v4.1: 6 of 1,614,084 alleles (0.00037%); highest among the groups gnomAD compares: Admixed American, 0.0017%; no homozygotes.

Submissions (2):

Labcorp Genetics (formerly Invitae), Labcorp
Classification: Pathogenic for Xanthinuria type II. Last evaluated: 2025-08-11. Review status: criteria provided, single submitter. Criteria: Invitae Variant Classification Sherloc (09022015). Collection method: clinical testing. Allele origin: germline.
Comment: This sequence change creates a premature translational stop signal (p.Ser545*) in the MOCOS gene. It is expected to result in an absent or disrupted protein product. Loss-of-function variants in MOCOS are known to be pathogenic (PMID: 11302742, 17368066). This variant is present in population databases (no rsID available, gnomAD 0.003%). This variant has not been reported in the literature in individuals affected with MOCOS-related conditions. ClinVar contains an entry for this variant (Variation ID: 3583309). For these reasons, this variant has been classified as Pathogenic.

Fulgent Genetics
Classification: Likely pathogenic for Xanthinuria type II. Last evaluated: 2024-03-25. Review status: criteria provided, single submitter. Criteria: ACMG Guidelines, 2015. Collection method: clinical testing. Allele origin: germline.

Literature cited by the submitters: PubMed 11302742 (cited by Labcorp Genetics (formerly Invitae), Labcorp); PubMed 17368066 (cited by Labcorp Genetics (formerly Invitae), Labcorp).

NM_017947.4(MOCOS):c.1634C>A (p.Ser545Ter)

Gene: MOCOS (molybdenum cofactor sulfurase; plus strand). Cytogenetic location: 18q12.2.
Variant type: single nucleotide variant.
Coding change: c.1634C>A on transcript NM_017947.4 (MANE Select); coding-DNA position 1634, C replaced by A.
Protein change: p.Ser545Ter; replaces serine 545 with a stop codon.
Molecular consequence: nonsense.
Genome position (GRCh38, 1-based): chr18:36,215,814, C>A. VCF-style: chr18-36215814-C-A. GRCh37 (hg19) VCF-style: chr18-33795777-C-A.
Other names: short protein forms S545*.
Identifiers: ClinVar variation 3583309 (VCV003583309.2).